The following is an entry in ClinVar:

ClinVar aggregate classification (germline): Uncertain significance (1 of 4 stars; one submission).

Allele frequency attached by ClinVar (database versions not stated): ExAC 0.00001; gnomAD 0.00001; TOPMed 0.00002; gnomAD exomes 0.00001.
gnomAD v4.1: 21 of 1,601,856 alleles (0.0013%); highest among the groups gnomAD compares: Non-Finnish European, 0.0016%; no homozygotes.

Submission:

Labcorp Genetics (formerly Invitae), Labcorp
Classification: Uncertain significance. Last evaluated: 2025-11-27. Review status: criteria provided, single submitter. Criteria: Invitae Variant Classification Sherloc (09022015). Collection method: clinical testing. Allele origin: germline.
Comment: This sequence change falls in intron 2 of the ANKZF1 gene. It does not directly change the encoded amino acid sequence of the ANKZF1 protein. It affects a nucleotide within the consensus splice site. This variant is present in population databases (no rsID available, gnomAD 0.003%). This variant has not been reported in the literature in individuals affected with ANKZF1-related conditions. ClinVar contains an entry for this variant (Variation ID: 1996848). Variants that disrupt the consensus splice site are a relatively common cause of aberrant splicing (PMID: 17576681, 9536098). Algorithms developed to predict the effect of sequence changes on RNA splicing suggest that this variant may disrupt the consensus splice site. In summary, the available evidence is currently insufficient to determine the role of this variant in disease. Therefore, it has been classified as a Variant of Uncertain Significance.

Literature cited by the submitters: PubMed 17576681; PubMed 9536098.

NM_018089.3(ANKZF1):c.148+3A>G

Gene: ANKZF1 (ankyrin repeat and zinc finger peptidyl tRNA hydrolase 1; plus strand). Cytogenetic location: 2q35.
Variant type: single nucleotide variant.
Coding change: c.148+3A>G on transcript NM_018089.3 (MANE Select); 3 bases into the intron after coding-DNA position 148, A replaced by G.
Molecular consequence: intron variant.
Genome position (GRCh38, 1-based): chr2:219,230,408, A>G. VCF-style: chr2-219230408-A-G. GRCh37 (hg19) VCF-style: chr2-220095130-A-G.
Other names: c.148+3A>G (NM_001042410.2); c.-267+508A>G (NM_001282792.2).
Identifiers: ClinVar variation 1996848 (VCV001996848.4), dbSNP rs1553563489, ClinGen allele CA2120612.